The following is an entry in ClinVar:

ClinVar aggregate classification (germline): Likely benign. Review status: criteria provided, single submitter (1 of 4 stars). 2 submissions from 2 submitters: Likely benign (1). 1 of the submissions does not count toward it. Last evaluated 2024-04-05.

Conditions:
Methylcobalamin deficiency type cblG (HMAG). Also called: Functional methionine synthase deficiency type cblG; HOMOCYSTINURIA-MEGALOBLASTIC ANEMIA, cblG COMPLEMENTATION TYPE; HOMOCYSTINURIA-MEGALOBLASTIC ANEMIA, cblG TYPE; HOMOCYSTINURIA-MEGALOBLASTIC ANEMIA DUE TO DEFECT IN COBALAMIN METABOLISM, cblG COMPLEMENTATION TYPE. Identifiers: Orphanet 2170, Orphanet 622, MedGen C1855128, MONDO:0009609, OMIM 250940.
MTR-related disorder. Also called: MTR-related condition.

Allele frequency attached by ClinVar (database versions not stated): gnomAD 0.00002; 1000 Genomes Project 30x 0.00016; 1000 Genomes Project 0.00020.
gnomAD v4.1: 77 of 1,614,170 alleles (0.0048%); highest among the groups gnomAD compares: East Asian, 0.11%; no homozygotes.

Submissions (2):

Labcorp Genetics (formerly Invitae), Labcorp
Classification: Likely benign for Methylcobalamin deficiency type cblG. Last evaluated: 2024-04-05. Review status: criteria provided, single submitter. Criteria: Invitae Variant Classification Sherloc (09022015). Collection method: clinical testing. Allele origin: germline.

PreventionGenetics, part of Exact Sciences
Classification: Likely benign for MTR-related condition. Last evaluated: 2019-04-11. Review status: no assertion criteria provided. Collection method: clinical testing. Allele origin: germline. Not counted in ClinVar's aggregate classification.
Comment: This variant is classified as likely benign based on ACMG/AMP sequence variant interpretation guidelines (Richards et al. 2015 PMID: 25741868, with internal and published modifications).

NM_000254.3(MTR):c.387C>T (p.Ala129=)

Gene: MTR (5-methyltetrahydrofolate-homocysteine methyltransferase; plus strand). Cytogenetic location: 1q43.
Variant type: single nucleotide variant.
Coding change: c.387C>T on transcript NM_000254.3 (MANE Select); coding-DNA position 387, C replaced by T.
Protein change: p.Ala129=; no amino-acid change (alanine 129 retained).
Molecular consequence: synonymous variant. On other transcripts: 5 prime UTR variant (1).
Genome position (GRCh38, 1-based): chr1:236,808,751, C>T. VCF-style: chr1-236808751-C-T. GRCh37 (hg19) VCF-style: chr1-236972051-C-T.
Other names: c.387C>T, p.Ala129= (NM_001291939.1); c.-722C>T (NM_001291940.2); c.387C>T (NM_000254.2).
Identifiers: ClinVar variation 1620276 (VCV001620276.10), dbSNP rs575706892, ClinGen allele CA1473719.